The following is an entry in ClinVar:

ClinVar aggregate classification (germline): Uncertain significance. Review status: criteria provided, multiple submitters, no conflicts (2 of 4 stars). 2 submissions from 2 submitters: Uncertain significance (2). Last evaluated 2025-11-04.

Conditions:
POLD1-related polyposis and colorectal cancer syndrome (CRCS10). Also called: Colorectal cancer 10; COLORECTAL CANCER, SUSCEPTIBILITY TO, ON CHROMOSOME 19q; Colorectal cancer, susceptibility to, 10. Identifiers: Orphanet 220460, MedGen C2675481, MONDO:0012953, OMIM 612591.
Hereditary cancer-predisposing syndrome. Also called: Tumor predisposition; Neoplastic Syndromes, Hereditary; Hereditary Cancer Syndrome; Hereditary neoplastic syndrome. Identifiers: Orphanet 140162, MedGen C0027672, MeSH D009386, MONDO:0015356.

Allele frequency attached by ClinVar (database versions not stated): gnomAD exomes below 0.00001.
gnomAD v4.1: 1 of 1,613,824 alleles (0.000062%); highest among the groups gnomAD compares: Non-Finnish European, 0.000085%; no homozygotes.

Submissions (2):

Ambry Genetics
Classification: Uncertain significance for Hereditary cancer-predisposing syndrome. Last evaluated: 2025-11-04. Review status: criteria provided, single submitter. Criteria: Ambry Variant Classification Scheme 2023. Collection method: clinical testing. Allele origin: germline.
Comment: The p.G422A variant (also known as c.1265G>C), located in coding exon 10 of the POLD1 gene, results from a G to C substitution at nucleotide position 1265. The glycine at codon 422 is replaced by alanine, an amino acid with similar properties. This amino acid position is conserved. In addition, the in silico prediction for this alteration is inconclusive. Based on the available evidence, the clinical significance of this variant remains unclear.

Labcorp Genetics (formerly Invitae), Labcorp
Classification: Uncertain significance for POLD1-related polyposis and colorectal cancer syndrome. Last evaluated: 2022-08-09. Review status: criteria provided, single submitter. Criteria: Invitae Variant Classification Sherloc (09022015). Collection method: clinical testing. Allele origin: germline.
Comment: This variant has not been reported in the literature in individuals affected with POLD1-related conditions. Algorithms developed to predict the effect of missense changes on protein structure and function are either unavailable or do not agree on the potential impact of this missense change (SIFT: "Deleterious"; PolyPhen-2: "Probably Damaging"; Align-GVGD: "Class C0"). In summary, the available evidence is currently insufficient to determine the role of this variant in disease. Therefore, it has been classified as a Variant of Uncertain Significance. This variant is not present in population databases (gnomAD no frequency). This sequence change replaces glycine, which is neutral and non-polar, with alanine, which is neutral and non-polar, at codon 422 of the POLD1 protein (p.Gly422Ala).

NM_002691.4(POLD1):c.1265G>C (p.Gly422Ala)

Gene: POLD1 (DNA polymerase delta 1, catalytic subunit; plus strand). Cytogenetic location: 19q13.33.
Variant type: single nucleotide variant.
Coding change: c.1265G>C on transcript NM_002691.4 (MANE Select); coding-DNA position 1265, G replaced by C.
Protein change: p.Gly422Ala; replaces glycine 422 with alanine.
Molecular consequence: missense variant. On other transcripts: non-coding transcript variant (1).
Genome position (GRCh38, 1-based): chr19:50,406,204, G>C. VCF-style: chr19-50406204-G-C. GRCh37 (hg19) VCF-style: chr19-50909461-G-C.
Other names: c.1265G>C (NM_002691.2); c.1265G>C, p.Gly422Ala (NM_001256849.1, NM_001308632.1); short protein forms G422A.
Identifiers: ClinVar variation 2127530 (VCV002127530.5), dbSNP rs772840420, ClinGen allele CA406979759.
Genomic context (GRCh38, chr19:50,406,204, plus strand): 5'-ACCCGCAGCCTGCTGCACACCCTGCCTCTCCTCCTCAGGTACAAACATTCCCTTTCCTGG[G>C]CCGTGTGGCCGGCCTTTGCTCCAACATCCGGGACTCTTCATTCCAGTCCAAGCAGACGGG-3'
Protein context (NP_002682.2, residues 412-432): TLKVQTFPFL[Gly422Ala]RVAGLCSNIR